The following is an entry in ClinVar:

ClinVar aggregate classification (germline): Uncertain significance (1 of 4 stars; one submission).

Submission:

CeGaT Center for Human Genetics Tuebingen
Classification: Uncertain significance. Last evaluated: 2026-08-01. Review status: criteria provided, single submitter. Criteria: CeGaT Center For Human Genetics Tuebingen Variant Classification Criteria Version 2. Collection method: clinical testing. Allele origin: germline. Affected: yes. Observed: 1 variant allele.
Comment: POLR3A: PM2, PM3:Supporting

NM_007055.4(POLR3A):c.1757C>T (p.Pro586Leu)

Gene: POLR3A (RNA polymerase III subunit A; minus strand). Cytogenetic location: 10q22.3.
Variant type: single nucleotide variant.
Coding change: c.1757C>T on transcript NM_007055.4 (MANE Select); coding-DNA position 1757, C replaced by T.
Protein change: p.Pro586Leu; replaces proline 586 with leucine.
Molecular consequence: missense variant.
Genome position (GRCh38, 1-based): chr10:78,009,877, G>A on the plus strand (C>T on the coding strand, the complement: POLR3A is on the minus strand). VCF-style: chr10-78009877-G-A. GRCh37 (hg19) VCF-style: chr10-79769635-G-A.
Other names: short protein forms P586L.
Identifiers: ClinVar variation 4681747 (VCV004681747.5).